The following is an entry in ClinVar:

ClinVar aggregate classification (germline): Uncertain significance (1 of 4 stars; one submission).

Conditions:
SLIT2-related disorder. Also called: SLIT2-related condition.

gnomAD v4.1: 2 of 1,613,248 alleles (0.00012%); highest among the groups gnomAD compares: Non-Finnish European, 0.00017%; no homozygotes.

Submission:

PreventionGenetics, part of Exact Sciences
Classification: Uncertain significance for SLIT2-related condition. Last evaluated: 2023-01-30. Review status: criteria provided, single submitter. Criteria: ACMG Guidelines, 2015. Collection method: clinical testing. Allele origin: germline.
Comment: The SLIT2 c.486G>C variant is predicted to result in the amino acid substitution p.Gln162His. To our knowledge, this variant has not been reported in the literature or in a large population database, indicating this variant is rare. At this time, the clinical significance of this variant is uncertain due to the absence of conclusive functional and genetic evidence.

NM_004787.4(SLIT2):c.486G>C (p.Gln162His)

Gene: SLIT2 (slit guidance ligand 2; plus strand). Cytogenetic location: 4p15.31.
Variant type: single nucleotide variant.
Coding change: c.486G>C on transcript NM_004787.4 (MANE Select); coding-DNA position 486, G replaced by C.
Protein change: p.Gln162His; replaces glutamine 162 with histidine.
Molecular consequence: missense variant.
Genome position (GRCh38, 1-based): chr4:20,480,734, G>C. VCF-style: chr4-20480734-G-C. GRCh37 (hg19) VCF-style: chr4-20482357-G-C.
Other names: c.486G>C, p.Gln162His (NM_001289135.3, NM_001289136.3); short protein forms Q162H.
Identifiers: ClinVar variation 2634630 (VCV002634630.1), dbSNP rs2546460691, ClinGen allele CA356447757.